The following is an entry in ClinVar:

ClinVar aggregate classification (germline): Uncertain significance (1 of 4 stars; one submission).

Conditions:
Arrhythmogenic right ventricular dysplasia 11. Also called: ARRHYTHMOGENIC RIGHT VENTRICULAR DYSPLASIA, FAMILIAL, 11; Arrhythmogenic Right Ventricular Dysplasia/Cardiomyopathy11; Arrhythmogenic right ventricular dysplasia 11 with mild palmoplantar keratoderma and woolly hair. Identifiers: MedGen C1864850, MONDO:0012506, OMIM 610476.

Submission:

Labcorp Genetics (formerly Invitae), Labcorp
Classification: Uncertain significance for Arrhythmogenic right ventricular dysplasia 11. Last evaluated: 2025-03-31. Review status: criteria provided, single submitter. Criteria: Invitae Variant Classification Sherloc (09022015). Collection method: clinical testing. Allele origin: germline.
Comment: This sequence change replaces glycine, which is neutral and non-polar, with tryptophan, which is neutral and slightly polar, at codon 516 of the DSC2 protein (p.Gly516Trp). This variant is not present in population databases (gnomAD no frequency). This variant has not been reported in the literature in individuals affected with DSC2-related conditions. Invitae Evidence Modeling of protein sequence and biophysical properties (such as structural, functional, and spatial information, amino acid conservation, physicochemical variation, residue mobility, and thermodynamic stability) has been performed for this missense variant. However, the output from this modeling did not meet the statistical confidence thresholds required to predict the impact of this variant on DSC2 protein function. In summary, the available evidence is currently insufficient to determine the role of this variant in disease. Therefore, it has been classified as a Variant of Uncertain Significance.

NM_024422.6(DSC2):c.1546G>T (p.Gly516Trp)

Gene: DSC2 (desmocollin 2; minus strand). Cytogenetic location: 18q12.1.
Variant type: single nucleotide variant.
Coding change: c.1546G>T on transcript NM_024422.6 (MANE Select); coding-DNA position 1546, G replaced by T.
Protein change: p.Gly516Trp; replaces glycine 516 with tryptophan.
Molecular consequence: missense variant.
Genome position (GRCh38, 1-based): chr18:31,079,964, C>A on the plus strand (G>T on the coding strand, the complement: DSC2 is on the minus strand). VCF-style: chr18-31079964-C-A. GRCh37 (hg19) VCF-style: chr18-28659930-C-A.
Other names: c.1117G>T, p.Gly373Trp (NM_001406506.1, NM_001406507.1); c.1546G>T, p.Gly516Trp (NM_004949.5); short protein forms G373W, G516W.
Identifiers: ClinVar variation 4803770 (VCV004803770.1).